The following is an entry in ClinVar:

NM_022167.4(XYLT2):c.2420C>T (p.Ala807Val)

Gene: XYLT2 (xylosyltransferase 2; plus strand). Cytogenetic location: 17q21.33.
Variant type: single nucleotide variant.
Coding change: c.2420C>T on transcript NM_022167.4 (MANE Select); coding-DNA position 2420, C replaced by T.
Protein change: p.Ala807Val; replaces alanine 807 with valine.
Molecular consequence: missense variant.
Genome position (GRCh38, 1-based): chr17:50,360,113, C>T. VCF-style: chr17-50360113-C-T. GRCh37 (hg19) VCF-style: chr17-48437474-C-T.
Other names: short protein forms A807V.
Identifiers: ClinVar variation 1702080 (VCV001702080.7), dbSNP rs565634363, ClinGen allele CA8646737.

ClinVar aggregate classification (germline): Uncertain significance. Review status: criteria provided, multiple submitters, no conflicts (2 of 4 stars). 2 submissions from 2 submitters: Uncertain significance (2). Last evaluated 2022-01-11.

Conditions:
Osteogenesis imperfecta (OI). Identifiers: Orphanet 666, MedGen C0029434, MeSH D010013, MONDO:0019019.

Allele frequency attached by ClinVar (database versions not stated): gnomAD exomes 0.00001 and 0.00003; gnomAD 0.00003 and 0.00004; ExAC 0.00004; TOPMed 0.00004; 1000 Genomes Project 30x 0.00016; 1000 Genomes Project 0.00020.

Submissions (2):

Labcorp Genetics (formerly Invitae), Labcorp
Classification: Uncertain significance. Last evaluated: 2022-01-11. Review status: criteria provided, single submitter. Criteria: Invitae Variant Classification Sherloc (09022015). Collection method: clinical testing. Allele origin: germline.
Comment: This variant is present in population databases (rs565634363, gnomAD 0.02%). This sequence change replaces alanine, which is neutral and non-polar, with valine, which is neutral and non-polar, at codon 807 of the XYLT2 protein (p.Ala807Val). This variant has not been reported in the literature in individuals affected with XYLT2-related conditions. Algorithms developed to predict the effect of missense changes on protein structure and function (SIFT, PolyPhen-2, Align-GVGD) all suggest that this variant is likely to be tolerated. In summary, the available evidence is currently insufficient to determine the role of this variant in disease. Therefore, it has been classified as a Variant of Uncertain Significance.

Genome Diagnostics Laboratory, The Hospital for Sick Children
Classification: Uncertain significance for Osteogenesis imperfecta. Last evaluated: 2021-12-06. Review status: criteria provided, single submitter. Criteria: ACMG Guidelines, 2015. Collection method: clinical testing. Allele origin: germline.